The following is an entry in ClinVar:

ClinVar aggregate classification (germline): Likely pathogenic (0 of 4 stars; one submission).

Conditions:
Retinitis pigmentosa (RP). Identifiers: Orphanet 791, MedGen C0035334, MeSH D012174, MONDO:0019200, OMIM 268000. Inheritance: Autosomal dominant, autosomal recessive and X linked inheritance.

Submission:

Department of Ophthalmology and Visual Sciences Kyoto University
Classification: Likely pathogenic for Retinitis pigmentosa. Review status: no assertion criteria provided. Collection method: not provided. Allele origin: unknown.
ClinVar note: Converted during submission from probable-pathogenic to Likely pathogenic.

NM_001142800.2(EYS):c.4387del (p.Arg1463fs)

Gene: EYS (EGF-like photoreceptor maintenance factor; minus strand). Cytogenetic location: 6q12.
Variant type: Deletion.
Coding change: c.4387del on transcript NM_001142800.2 (MANE Select); coding-DNA position 4387, one base deleted (A; older notation c.4387delA).
Protein change: p.Arg1463fs; shifts the reading frame from arginine 1463.
Molecular consequence: frameshift variant.
Genome position (GRCh38, 1-based): chr6:64,591,480, T deleted on the plus strand (A on the coding strand, the reverse complement: EYS is on the minus strand). VCF-style (leftmost placement, unchanged base first): chr6-64591479-CT-C. GRCh37 (hg19) VCF-style: chr6-65301372-CT-C.
Other names: c.4387del, p.Arg1463fs (NM_001292009.2); short protein forms R1463fs.
Identifiers: ClinVar variation 143103 (VCV000143103.2), dbSNP rs527236075, ClinGen allele CA270053.